The following is an entry in ClinVar:

ClinVar aggregate classification (germline): Uncertain significance. Review status: criteria provided, multiple submitters, no conflicts (2 of 4 stars). 2 submissions from 2 submitters: Uncertain significance (2). Last evaluated 2024-01-07.

Allele frequency attached by ClinVar (database versions not stated): ExAC 0.00001; gnomAD exomes 0.00001; gnomAD 0.00003; TOPMed 0.00003; 1000 Genomes Project 30x 0.00016; 1000 Genomes Project 0.00020.

Submissions (2):

Labcorp Genetics (formerly Invitae), Labcorp
Classification: Uncertain significance. Last evaluated: 2024-01-07. Review status: criteria provided, single submitter. Criteria: Invitae Variant Classification Sherloc (09022015). Collection method: clinical testing. Allele origin: germline.
Comment: This sequence change replaces arginine, which is basic and polar, with glutamine, which is neutral and polar, at codon 286 of the P2RX2 protein (p.Arg286Gln). This variant is present in population databases (rs148198140, gnomAD 0.008%). This variant has not been reported in the literature in individuals affected with P2RX2-related conditions. ClinVar contains an entry for this variant (Variation ID: 2240514). Advanced modeling of protein sequence and biophysical properties (such as structural, functional, and spatial information, amino acid conservation, physicochemical variation, residue mobility, and thermodynamic stability) performed at Invitae indicates that this missense variant is not expected to disrupt P2RX2 protein function with a negative predictive value of 80%. In summary, the available evidence is currently insufficient to determine the role of this variant in disease. Therefore, it has been classified as a Variant of Uncertain Significance.

Ambry Genetics
Classification: Uncertain significance. Last evaluated: 2021-08-02. Review status: criteria provided, single submitter. Criteria: Ambry Variant Classification Scheme 2023. Collection method: clinical testing. Allele origin: germline.

NM_170682.4(P2RX2):c.857G>A (p.Arg286Gln)

Gene: P2RX2 (purinergic receptor P2X 2; plus strand). Cytogenetic location: 12q24.33.
Variant type: single nucleotide variant.
Coding change: c.857G>A on transcript NM_170682.4 (MANE Select); coding-DNA position 857, G replaced by A.
Protein change: p.Arg286Gln; replaces arginine 286 with glutamine.
Molecular consequence: missense variant.
Genome position (GRCh38, 1-based): chr12:132,621,083, G>A. VCF-style: chr12-132621083-G-A. GRCh37 (hg19) VCF-style: chr12-133197669-G-A.
Other names: c.755G>A, p.Arg252Gln (NM_001282164.2); c.857G>A, p.Arg286Gln (NM_001282165.2, NM_170683.4, NM_174873.3); c.641G>A, p.Arg214Gln (NM_012226.5); c.785G>A, p.Arg262Gln (NM_016318.4); c.581G>A, p.Arg194Gln (NM_174872.3); short protein forms R214Q, R194Q, R252Q, R286Q, R262Q.
Identifiers: ClinVar variation 2240514 (VCV002240514.5), dbSNP rs148198140, ClinGen allele CA6891684.